The following is an entry in ClinVar:

ClinVar aggregate classification (germline): Uncertain significance (1 of 4 stars; one submission).

Submission:

GeneDx
Classification: Uncertain significance. Last evaluated: 2024-01-07. Review status: criteria provided, single submitter. Criteria: GeneDx Variant Classification Process June 2021. Collection method: clinical testing. Allele origin: germline. Affected: yes.
Comment: Not observed at significant frequency in large population cohorts (gnomAD); In silico analysis supports that this missense variant does not alter protein structure/function; Has not been previously published as pathogenic or benign to our knowledge; Variants in candidate genes are classified as variants of uncertain significance in accordance with ACMG guidelines (PMID: 25741868)

NM_001370785.2(LRRC7):c.4228A>C (p.Lys1410Gln)

Gene: LRRC7 (leucine rich repeat containing 7; plus strand). Cytogenetic location: 1p31.1.
Variant type: single nucleotide variant.
Coding change: c.4228A>C on transcript NM_001370785.2 (MANE Select); coding-DNA position 4228, A replaced by C.
Protein change: p.Lys1410Gln; replaces lysine 1410 with glutamine.
Molecular consequence: missense variant. On other transcripts: intron variant (1).
Genome position (GRCh38, 1-based): chr1:70,053,143, A>C. VCF-style: chr1-70053143-A-C. GRCh37 (hg19) VCF-style: chr1-70518826-A-C.
Other names: NM_020794.2:c.4114A>C; c.3988A>C, p.Lys1330Gln (NM_001330635.3, NM_001366841.1); c.4090A>C, p.Lys1364Gln (NM_001350216.3); c.4087A>C, p.Lys1363Gln (NM_001366838.3); c.3810+13350A>C (NM_001366839.3); short protein forms K1330Q, K1363Q, K1364Q, K1410Q.
Identifiers: ClinVar variation 3367642 (VCV003367642.1).